The following is an entry in ClinVar:

NM_001385641.1(SAMD11):c.1315C>T (p.Arg439Trp)

Gene: SAMD11 (sterile alpha motif domain containing 11; plus strand). Cytogenetic location: 1p36.33.
Variant type: single nucleotide variant.
Coding change: c.1315C>T on transcript NM_001385641.1 (MANE Select); coding-DNA position 1315, C replaced by T.
Protein change: p.Arg439Trp; replaces arginine 439 with tryptophan.
Molecular consequence: missense variant.
Genome position (GRCh38, 1-based): chr1:941,263, C>T. VCF-style: chr1-941263-C-T. GRCh37 (hg19) VCF-style: chr1-876643-C-T.
Other names: c.1318C>T, p.Arg440Trp (NM_001385640.1); c.826C>T, p.Arg276Trp (NM_152486.4); short protein forms R276W, R440W, R439W.
Identifiers: ClinVar variation 1935990 (VCV001935990.5), dbSNP rs916789337, ClinGen allele CA16721387.
Genomic context (GRCh38, chr1:941,263, plus strand): 5'-GAAGCCCACCTGCCCTCCTCCACGGCAGGTCAGCGTCGGAAGCAGGGCCTGGCTCAGCAC[C>T]GGGAGGGCGCCGCCCCAGCTGCCGCCCCGTCCTTCTCGGAGAGGTACTGGGGTGGCTGCC-3'
Protein context (NP_001372570.1, residues 429-449): QRRKQGLAQH[Arg439Trp]EGAAPAAAPS

ClinVar aggregate classification (germline): Uncertain significance (1 of 4 stars; one submission).

gnomAD v4.1: 10 of 1,599,456 alleles (0.00063%); highest among the groups gnomAD compares: East Asian, 0.0023%; no homozygotes.

Submission:

Labcorp Genetics (formerly Invitae), Labcorp
Classification: Uncertain significance. Last evaluated: 2025-09-02. Review status: criteria provided, single submitter. Criteria: Invitae Variant Classification Sherloc (09022015). Collection method: clinical testing. Allele origin: germline.
Comment: This sequence change replaces arginine, which is basic and polar, with tryptophan, which is neutral and slightly polar, at codon 276 of the SAMD11 protein (p.Arg276Trp). This variant is not present in population databases (gnomAD no frequency). This variant has not been reported in the literature in individuals affected with SAMD11-related conditions. ClinVar contains an entry for this variant (Variation ID: 1935990). An algorithm developed to predict the effect of missense changes on protein structure and function (PolyPhen-2) suggests that this variant is likely to be disruptive. In summary, the available evidence is currently insufficient to determine the role of this variant in disease. Therefore, it has been classified as a Variant of Uncertain Significance.